The following is an entry in ClinVar:

NM_003073.5(SMARCB1):c.418C>T (p.His140Tyr)

Gene: SMARCB1 (SWI/SNF related BAF chromatin remodeling complex subunit B1; plus strand). Cytogenetic location: 22q11.23.
Variant type: single nucleotide variant.
Coding change: c.418C>T on transcript NM_003073.5 (MANE Select); coding-DNA position 418, C replaced by T.
Protein change: p.His140Tyr; replaces histidine 140 with tyrosine.
Molecular consequence: missense variant.
Genome position (GRCh38, 1-based): chr22:23,800,999, C>T. VCF-style: chr22-23800999-C-T. GRCh37 (hg19) VCF-style: chr22-24143186-C-T.
Other names: c.391C>T, p.His131Tyr (NM_001007468.3, NM_001317946.2); c.418C>T, p.His140Tyr (NM_001362877.2); short protein forms H131Y, H140Y.
Identifiers: ClinVar variation 4745588 (VCV004745588.1).

ClinVar aggregate classification (germline): Uncertain significance (1 of 4 stars; one submission).

Submission:

Labcorp Genetics (formerly Invitae), Labcorp
Classification: Uncertain significance. Last evaluated: 2025-09-20. Review status: criteria provided, single submitter. Criteria: Invitae Variant Classification Sherloc (09022015). Collection method: clinical testing. Allele origin: germline.
Comment: This sequence change replaces histidine, which is basic and polar, with tyrosine, which is neutral and polar, at codon 140 of the SMARCB1 protein (p.His140Tyr). This variant is not present in population databases (gnomAD no frequency). This variant has not been reported in the literature in individuals affected with SMARCB1-related conditions. Invitae Evidence Modeling of protein sequence and biophysical properties (such as structural, functional, and spatial information, amino acid conservation, physicochemical variation, residue mobility, and thermodynamic stability) indicates that this missense variant is not expected to disrupt SMARCB1 protein function with a negative predictive value of 80%. In summary, the available evidence is currently insufficient to determine the role of this variant in disease. Therefore, it has been classified as a Variant of Uncertain Significance.